The following is an entry in ClinVar:

NM_000053.4(ATP7B):c.3833C>G (p.Ala1278Gly)

Gene: ATP7B (ATPase copper transporting beta; minus strand). Cytogenetic location: 13q14.3.
Variant type: single nucleotide variant.
Coding change: c.3833C>G on transcript NM_000053.4 (MANE Select); coding-DNA position 3833, C replaced by G.
Protein change: p.Ala1278Gly; replaces alanine 1278 with glycine.
Molecular consequence: missense variant. On other transcripts: intron variant (1).
Genome position (GRCh38, 1-based): chr13:51,937,546, G>C on the plus strand (C>G on the coding strand, the complement: ATP7B is on the minus strand). VCF-style: chr13-51937546-G-C. GRCh37 (hg19) VCF-style: chr13-52511682-G-C.
Other names: c.3833C>G (NM_000053.3); c.3545C>G, p.Ala1182Gly (NM_001406534.1); c.3593C>G, p.Ala1198Gly (NM_001406530.1); c.3581C>G, p.Ala1194Gly (NM_001406531.1, NM_001406532.1, NM_001330579.2); c.3833C>G, p.Ala1278Gly (NM_001406511.1, NM_001406512.1); c.3827C>G, p.Ala1276Gly (NM_001406513.1); c.3800C>G, p.Ala1267Gly (NM_001406514.1); c.3779C>G, p.Ala1260Gly (NM_001406515.1, NM_001406516.1); and 22 more; short protein forms A1051G, A1062G, A1071G, A1084G, A1114G, A1116G, A1129G, A1135G.
Identifiers: ClinVar variation 3072937 (VCV003072937.2), dbSNP rs1375884723, ClinGen allele CA388021791.

ClinVar aggregate classification (germline): Uncertain significance. Review status: criteria provided, single submitter (1 of 4 stars). 2 submissions from 2 submitters: Uncertain significance (1). 1 of the submissions does not count toward it. Last evaluated 2023-08-15.

Conditions:
ATP7B-related disorder. Also called: ATP7B-related condition.
Wilson disease (WND). Also called: Wilson's disease. Identifiers: Orphanet 905, MedGen C0019202, MONDO:0010200, OMIM 277900. Disease mechanism: loss of function.

gnomAD v4.1: 1 of 1,614,242 alleles (0.000062%); highest among the groups gnomAD compares: Admixed American, 0.0017%; no homozygotes.

Submissions (2):

All of Us Research Program, National Institutes of Health
Classification: Uncertain significance for Wilson disease. Last evaluated: 2023-08-15. Review status: criteria provided, single submitter. Criteria: ACMG Guidelines, 2015. Collection method: clinical testing. Allele origin: germline. Inheritance: Autosomal recessive inheritance. Observed: 1 variant allele, 1 heterozygote.
Comment: This missense variant replaces alanine with glycine at codon 1278 of the ATP7B protein. Computational prediction suggests that this variant may have deleterious impact on protein structure and function (internally defined REVEL score threshold >= 0.7, PMID: 27666373). To our knowledge, functional studies have not been reported for this variant. This variant has not been reported in individuals affected with ATP7B-related disorders in the literature. This variant has been identified in 1/249568 chromosomes in the general population by the Genome Aggregation Database (gnomAD). The available evidence is insufficient to determine the role of this variant in disease conclusively. Therefore, this variant is classified as a Variant of Uncertain Significance.

This study involves interpretation of variants in research participants for the purpose of population health screening. Participant phenotype was not available at the time of variant classification. Additional details can be found in publication PMID: 35346344, PMCID: PMC8962531

PreventionGenetics, part of Exact Sciences
Classification: Uncertain significance for ATP7B-related condition. Last evaluated: 2024-07-17. Review status: no assertion criteria provided. Collection method: clinical testing. Allele origin: germline. Not counted in ClinVar's aggregate classification.
Comment: The ATP7B c.3833C>G variant is predicted to result in the amino acid substitution p.Ala1278Gly. This variant was reported in an cohort of patients with features consistent with Wilson disease. However, detailed clinical and genetic information on the variant carrier(s) were not provided (Bost et al 2012. PubMed ID: 22677543). This variant is reported in 0.0029% of alleles in individuals of Latino descent in gnomAD. At this time, the clinical significance of this variant is uncertain due to the absence of conclusive functional and genetic evidence.